The following is an entry in ClinVar:

NM_001142864.4(PIEZO1):c.6822C>T (p.Ser2274=)

Gene: PIEZO1 (piezo type mechanosensitive ion channel component 1 (Er blood group); minus strand). Cytogenetic location: 16q24.3.
Variant type: single nucleotide variant.
Coding change: c.6822C>T on transcript NM_001142864.4 (MANE Select); coding-DNA position 6822, C replaced by T.
Protein change: p.Ser2274=; no amino-acid change (serine 2274 retained).
Molecular consequence: synonymous variant.
Genome position (GRCh38, 1-based): chr16:88,716,663, G>A on the plus strand (C>T on the coding strand, the complement: PIEZO1 is on the minus strand). VCF-style: chr16-88716663-G-A. GRCh37 (hg19) VCF-style: chr16-88783071-G-A.
Other names: p.Ser2274=.
Identifiers: ClinVar variation 731296 (VCV000731296.44), dbSNP rs35686439, ClinGen allele CA8231478.

ClinVar aggregate classification (germline): Benign/Likely benign. Review status: criteria provided, multiple submitters, no conflicts (2 of 4 stars). 6 submissions from 6 submitters: Benign (1); Likely benign (5). Last evaluated 2026-07-01.

Allele frequency attached by ClinVar (database versions not stated): 1000 Genomes Project 0.00100; gnomAD 0.00105 and 0.00125; TOPMed 0.00122; 1000 Genomes Project 30x 0.00125; gnomAD exomes 0.00168 and 0.00207; ESP Exome Variant Server 0.00242; ExAC 0.00315.
gnomAD v4.1: 3,081 of 1,549,250 alleles (0.2%); highest among the groups gnomAD compares: Middle Eastern, 0.75%; 10 homozygotes.

Submissions (6):

CeGaT Center for Human Genetics Tuebingen
Classification: Likely benign. Last evaluated: 2026-07-01. Review status: criteria provided, single submitter. Criteria: CeGaT Center For Human Genetics Tuebingen Variant Classification Criteria Version 2. Collection method: clinical testing. Allele origin: germline. Affected: yes. Observed: 5 variant alleles.
Comment: PIEZO1: BP4, BP7

Labcorp Genetics (formerly Invitae), Labcorp
Classification: Benign. Last evaluated: 2026-01-16. Review status: criteria provided, single submitter. Criteria: Invitae Variant Classification Sherloc (09022015). Collection method: clinical testing. Allele origin: germline.

Mayo Clinic Laboratories, Mayo Clinic
Classification: Likely benign. Last evaluated: 2025-11-04. Review status: criteria provided, single submitter. Criteria: ACMG Guidelines, 2015. Collection method: clinical testing. Allele origin: germline. Observed: 10 variant alleles.
Comment: BP4, BP7

Blueprint Genetics
Classification: Likely benign. Last evaluated: 2024-11-26. Review status: criteria provided, single submitter. Criteria: ACMG Guidelines, 2015. Collection method: clinical testing. Allele origin: germline.

ARUP Laboratories, Molecular Genetics and Genomics, ARUP Laboratories
Classification: Likely benign. Last evaluated: 2024-10-17. Review status: criteria provided, single submitter. Criteria: ARUP Molecular Germline Variant Investigation Process 2024. Collection method: clinical testing. Allele origin: germline.

Breakthrough Genomics
Classification: Likely benign. Review status: criteria provided, single submitter. Criteria: ACMG Guidelines, 2015. Collection method: not provided. Allele origin: germline. Inheritance: Autosomal recessive inheritance. Affected: yes.